The following is an entry in ClinVar:

ClinVar aggregate classification (germline): Uncertain significance. Review status: criteria provided, multiple submitters, no conflicts (2 of 4 stars). 2 submissions from 2 submitters: Uncertain significance (2). Last evaluated 2022-12-06.

Conditions:
Familial cancer of breast. Also called: hereditary breast carcinoma; BREAST CANCER, FAMILIAL; Hereditary breast cancer. Identifiers: Orphanet 227535, MedGen C0346153, MONDO:0016419, OMIM 114480. Disease mechanism: loss of function.
Hereditary cancer-predisposing syndrome. Also called: Tumor predisposition; Hereditary neoplastic syndrome; Neoplastic Syndromes, Hereditary; Hereditary Cancer Syndrome. Identifiers: Orphanet 140162, MedGen C0027672, MeSH D009386, MONDO:0015356.

Submissions (2):

Ambry Genetics
Classification: Uncertain significance for Hereditary cancer-predisposing syndrome. Last evaluated: 2022-12-06. Review status: criteria provided, single submitter. Criteria: Ambry Variant Classification Scheme 2023. Collection method: clinical testing. Allele origin: germline.
Comment: The p.T1029I variant (also known as c.3086C>T), located in coding exon 10 of the PALB2 gene, results from a C to T substitution at nucleotide position 3086. The threonine at codon 1029 is replaced by isoleucine, an amino acid with similar properties. This amino acid position is conserved. In addition, the in silico prediction for this alteration is inconclusive. Since supporting evidence is limited at this time, the clinical significance of this alteration remains unclear.

Labcorp Genetics (formerly Invitae), Labcorp
Classification: Uncertain significance for Familial cancer of breast. Last evaluated: 2019-12-04. Review status: criteria provided, single submitter. Criteria: Invitae Variant Classification Sherloc (09022015). Collection method: clinical testing. Allele origin: germline.
Comment: In summary, the available evidence is currently insufficient to determine the role of this variant in disease. Therefore, it has been classified as a Variant of Uncertain Significance. Algorithms developed to predict the effect of missense changes on protein structure and function are either unavailable or do not agree on the potential impact of this missense change (SIFT: "Tolerated"; PolyPhen-2: "Probably Damaging"; Align-GVGD: "Class C0"). This variant has not been reported in the literature in individuals with PALB2-related conditions. This variant is not present in population databases (ExAC no frequency). This sequence change replaces threonine with isoleucine at codon 1029 of the PALB2 protein (p.Thr1029Ile). The threonine residue is highly conserved and there is a moderate physicochemical difference between threonine and isoleucine.

NM_024675.4(PALB2):c.3086C>T (p.Thr1029Ile)

Gene: PALB2 (partner and localizer of BRCA2; minus strand). Cytogenetic location: 16p12.2.
Variant type: single nucleotide variant.
Coding change: c.3086C>T on transcript NM_024675.4 (MANE Select); coding-DNA position 3086, C replaced by T.
Protein change: p.Thr1029Ile; replaces threonine 1029 with isoleucine.
Molecular consequence: missense variant.
Genome position (GRCh38, 1-based): chr16:23,621,389, G>A on the plus strand (C>T on the coding strand, the complement: PALB2 is on the minus strand). VCF-style: chr16-23621389-G-A. GRCh37 (hg19) VCF-style: chr16-23632710-G-A.
Other names: short protein forms T1029I.
Identifiers: ClinVar variation 856643 (VCV000856643.12), dbSNP rs1966768882, ClinGen allele CA395142889.